The following is an entry in ClinVar:

ClinVar aggregate classification (germline): Uncertain significance. Review status: criteria provided, multiple submitters, no conflicts (2 of 4 stars). 2 submissions from 2 submitters: Uncertain significance (2). Last evaluated 2018-01-18.

Conditions:
Hereditary nonpolyposis colorectal neoplasms. Identifiers: MedGen C0009405, MeSH D003123.
Hereditary cancer-predisposing syndrome. Also called: Hereditary neoplastic syndrome; Tumor predisposition; Hereditary Cancer Syndrome; Neoplastic Syndromes, Hereditary. Identifiers: Orphanet 140162, MedGen C0027672, MeSH D009386, MONDO:0015356.

Submissions (2):

Ambry Genetics
Classification: Uncertain significance for Hereditary cancer-predisposing syndrome. Last evaluated: 2018-01-18. Review status: criteria provided, single submitter. Criteria: Ambry Variant Classification Scheme 2023. Collection method: clinical testing. Allele origin: germline.
Comment: The p.L1091R variant (also known as c.3272T>G), located in coding exon 5 of the MSH6 gene, results from a T to G substitution at nucleotide position 3272. The leucine at codon 1091 is replaced by arginine, an amino acid with dissimilar properties. This variant has been identified in a proband(s) who met Amsterdam I/II criteria for Lynch syndrome and tumor demonstrated loss of MSH6 expression by immunohistochemistry (Ambry internal data). This amino acid position is highly conserved in available vertebrate species. In addition, this alteration is predicted to be deleterious by in silico analysis. Since supporting evidence is limited at this time, the clinical significance of this alteration remains unclear.

Labcorp Genetics (formerly Invitae), Labcorp
Classification: Uncertain significance for Hereditary nonpolyposis colorectal neoplasms. Last evaluated: 2015-10-21. Review status: criteria provided, single submitter. Criteria: Invitae Variant Classification Sherloc (09022015). Collection method: clinical testing. Allele origin: germline.
Comment: This sequence change replaces leucine with arginine at codon 1091 of the MSH6 protein (p.Leu1091Arg). The leucine residue is moderately conserved and there is a moderate physicochemical difference between leucine and arginine. Algorithms developed to predict the effect of missense changes on protein structure and function (SIFT, PolyPhen-2, Align-GVGD) all suggest that this variant is likely to be disruptive, but these predictions have not been confirmed by published functional studies. This variant is not present in population databases (ExAC no frequency) and has not been reported in the literature. In summary, this is a novel missense change with uncertain impact on protein function. It has been classified as a Variant of Uncertain Significance.

NM_000179.3(MSH6):c.3272T>G (p.Leu1091Arg)

Gene: MSH6 (mutS homolog 6; plus strand). Cytogenetic location: 2p16.3.
Variant type: single nucleotide variant.
Coding change: c.3272T>G on transcript NM_000179.3 (MANE Select); coding-DNA position 3272, T replaced by G.
Protein change: p.Leu1091Arg; replaces leucine 1091 with arginine.
Molecular consequence: missense variant.
Genome position (GRCh38, 1-based): chr2:47,803,519, T>G. VCF-style: chr2-47803519-T-G. GRCh37 (hg19) VCF-style: chr2-48030658-T-G.
Other names: c.2882T>G, p.Leu961Arg (NM_001281492.2); c.2366T>G, p.Leu789Arg (NM_001281493.2, NM_001281494.2); short protein forms L1091R, L789R, L961R.
Identifiers: ClinVar variation 220713 (VCV000220713.12), dbSNP rs864622637, ClinGen allele CA350639.
Genomic context (GRCh38, chr2:47,803,519, plus strand): 5'-ATGGTCCTATGTGTCGCCCAGTAATTCTGTTGCCGGAAGATACCCCCCCCTTCTTAGAGC[T>G]TAAAGGATCACGCCATCCTTGCATTACGAAGACTTTTTTTGGAGATGATTTTATTCCTAA-3'
Protein context (NP_000170.1, residues 1081-1101): LPEDTPPFLE[Leu1091Arg]KGSRHPCITK